The following is an entry in ClinVar:

NM_001375808.2(LPIN2):c.2317G>A (p.Ala773Thr)

Gene: LPIN2 (lipin 2; minus strand). Cytogenetic location: 18p11.31.
Variant type: single nucleotide variant.
Coding change: c.2317G>A on transcript NM_001375808.2 (MANE Select); coding-DNA position 2317, G replaced by A.
Protein change: p.Ala773Thr; replaces alanine 773 with threonine.
Molecular consequence: missense variant.
Genome position (GRCh38, 1-based): chr18:2,922,057, C>T on the plus strand (G>A on the coding strand, the complement: LPIN2 is on the minus strand). VCF-style: chr18-2922057-C-T. GRCh37 (hg19) VCF-style: chr18-2922055-C-T.
Other names: c.2317G>A, p.Ala773Thr (NM_001375809.1, NM_014646.2); short protein forms A773T.
Identifiers: ClinVar variation 1007784 (VCV001007784.12), dbSNP rs750526323, ClinGen allele CA295494444.

ClinVar aggregate classification (germline): Uncertain significance. Review status: criteria provided, multiple submitters, no conflicts (2 of 4 stars). 2 submissions from 2 submitters: Uncertain significance (2). Last evaluated 2024-02-29.

Conditions:
Majeed syndrome (MJDS). Also called: LPIN2-Related Majeed Syndrome; CHRONIC RECURRENT MULTIFOCAL OSTEOMYELITIS 1, WITH CONGENITAL DYSERYTHROPOIETIC ANEMIA, WITH OR WITHOUT NEUTROPHILIC DERMATOSIS. Identifiers: Orphanet 77297, MedGen C1864997, MONDO:0012316, OMIM 609628.
Autoinflammatory syndrome. Identifiers: Orphanet 93665, MedGen C3890737, MONDO:0019751.

Allele frequency attached by ClinVar (database versions not stated): gnomAD 0.00001; gnomAD exomes 0.00001 and 0.00002; TOPMed 0.00001.
gnomAD v4.1: 26 of 1,612,314 alleles (0.0016%); highest among the groups gnomAD compares: Non-Finnish European, 0.002%; no homozygotes.

Submissions (2):

Labcorp Genetics (formerly Invitae), Labcorp
Classification: Uncertain significance for Majeed syndrome. Last evaluated: 2024-02-29. Review status: criteria provided, single submitter. Criteria: Invitae Variant Classification Sherloc (09022015). Collection method: clinical testing. Allele origin: germline.
Comment: This sequence change replaces alanine, which is neutral and non-polar, with threonine, which is neutral and polar, at codon 773 of the LPIN2 protein (p.Ala773Thr). The frequency data for this variant in the population databases is considered unreliable, as metrics indicate poor data quality at this position in the gnomAD database. This variant has not been reported in the literature in individuals affected with LPIN2-related conditions. ClinVar contains an entry for this variant (Variation ID: 1007784). Advanced modeling of protein sequence and biophysical properties (such as structural, functional, and spatial information, amino acid conservation, physicochemical variation, residue mobility, and thermodynamic stability) performed at Invitae indicates that this missense variant is expected to disrupt LPIN2 protein function with a positive predictive value of 80%. In summary, the available evidence is currently insufficient to determine the role of this variant in disease. Therefore, it has been classified as a Variant of Uncertain Significance.

Genome Diagnostics Laboratory, The Hospital for Sick Children
Classification: Uncertain significance for Autoinflammatory syndrome. Last evaluated: 2018-11-01. Review status: criteria provided, single submitter. Criteria: ACMG Guidelines, 2015. Collection method: clinical testing. Allele origin: germline. Affected: yes.